The following is an entry in ClinVar:

ClinVar aggregate classification (germline): Uncertain significance (1 of 4 stars; one submission).

Conditions:
Pyridoxal phosphate-responsive seizures (PNPOD). Also called: Pyridoxamine 5-Prime-Phosphate Oxidase Deficiency; Pyridoxine-5'-phosphate oxidase deficiency; Pyridoxal 5'-Phosphate (PLP)-Dependent Epilepsy; EPILEPTIC ENCEPHALOPATHY, NEONATAL, PNPO-RELATED; SEIZURES, PYRIDOXINE-RESISTANT, PLP-SENSITIVE. Identifiers: Orphanet 79096, MedGen C1864723, MONDO:0012407, OMIM 610090. Disease mechanism: loss of function.

Allele frequency attached by ClinVar (database versions not stated): gnomAD exomes below 0.00001.
gnomAD v4.1: 1 of 1,614,170 alleles (0.000062%); highest among the groups gnomAD compares: Non-Finnish European, 0.000085%; no homozygotes.

Submission:

Labcorp Genetics (formerly Invitae), Labcorp
Classification: Uncertain significance for Pyridoxal phosphate-responsive seizures. Last evaluated: 2021-08-26. Review status: criteria provided, single submitter. Criteria: Invitae Variant Classification Sherloc (09022015). Collection method: clinical testing. Allele origin: germline.
Comment: This sequence change replaces serine with tyrosine at codon 241 of the PNPO protein (p.Ser241Tyr). The serine residue is weakly conserved and there is a large physicochemical difference between serine and tyrosine. This variant is not present in population databases (ExAC no frequency). This variant has not been reported in the literature in individuals affected with PNPO-related conditions. Algorithms developed to predict the effect of missense changes on protein structure and function (SIFT, PolyPhen-2, Align-GVGD) all suggest that this variant is likely to be tolerated. In summary, the available evidence is currently insufficient to determine the role of this variant in disease. Therefore, it has been classified as a Variant of Uncertain Significance.

NM_018129.4(PNPO):c.722C>A (p.Ser241Tyr)

Gene: PNPO (pyridoxamine 5'-phosphate oxidase; plus strand). Cytogenetic location: 17q21.32.
Variant type: single nucleotide variant.
Coding change: c.722C>A on transcript NM_018129.4 (MANE Select); coding-DNA position 722, C replaced by A.
Protein change: p.Ser241Tyr; replaces serine 241 with tyrosine.
Molecular consequence: missense variant.
Genome position (GRCh38, 1-based): chr17:47,946,718, C>A. VCF-style: chr17-47946718-C-A. GRCh37 (hg19) VCF-style: chr17-46024084-C-A.
Other names: short protein forms S241Y.
Identifiers: ClinVar variation 1008618 (VCV001008618.6), dbSNP rs2036015748, ClinGen allele CA400063056.